The following is an entry in ClinVar:

NM_001356.5(DDX3X):c.1170+4C>T

Gene: DDX3X (DEAD-box helicase 3 X-linked; plus strand). Cytogenetic location: Xp11.4.
Variant type: single nucleotide variant.
Coding change: c.1170+4C>T on transcript NM_001356.5 (MANE Select); 4 bases into the intron after coding-DNA position 1170, C replaced by T.
Molecular consequence: intron variant.
Genome position (GRCh38, 1-based): chrX:41,345,328, C>T. VCF-style: chrX-41345328-C-T. GRCh37 (hg19) VCF-style: chrX-41204581-C-T.
Other names: c.1170+4C>T (NM_001193416.3); c.1122+4C>T (NM_001193417.3); c.612+4C>T (NM_001363819.1).
Identifiers: ClinVar variation 589442 (VCV000589442.32), dbSNP rs745429365, ClinGen allele CA10389585.

ClinVar aggregate classification (germline): Conflicting classifications of pathogenicity. Review status: criteria provided, conflicting classifications (1 of 4 stars). 4 submissions from 4 submitters: Uncertain significance (2); Benign (1); Likely benign (1). Last evaluated 2024-05-01.

Conditions:
Inborn genetic diseases. Identifiers: MedGen C0950123, MeSH D030342.

Allele frequency attached by ClinVar (database versions not stated): TOPMed below 0.00001; gnomAD 0.00001 and 0.00002; gnomAD exomes 0.00002 and 0.00007; ExAC 0.00007.
gnomAD v4.1: 29 of 1,205,682 alleles (0.0024%); highest among the groups gnomAD compares: South Asian, 0.024%; no homozygotes.

Submissions (4):

CeGaT Center for Human Genetics Tuebingen
Classification: Likely benign. Last evaluated: 2024-05-01. Review status: criteria provided, single submitter. Criteria: CeGaT Center For Human Genetics Tuebingen Variant Classification Criteria Version 2. Collection method: clinical testing. Allele origin: germline. Affected: yes. Observed: 2 variant alleles.
Comment: DDX3X: BP4, BS2

Labcorp Genetics (formerly Invitae), Labcorp
Classification: Benign. Last evaluated: 2024-04-02. Review status: criteria provided, single submitter. Criteria: Invitae Variant Classification Sherloc (09022015). Collection method: clinical testing. Allele origin: germline.

Ambry Genetics
Classification: Uncertain significance for Inborn genetic diseases. Last evaluated: 2016-10-28. Review status: criteria provided, single submitter. Criteria: Ambry Variant Classification Scheme 2023. Collection method: clinical testing. Allele origin: germline.
Comment: The c.1170+4C>T intronic variant results from a C to T substitution 4 nucleotides after coding exon 11 in the DDX3X gene. This variant was not reported in population based cohorts in the following databases: Database of Single Nucleotide Polymorphisms (dbSNP), NHLBI Exome Sequencing Project (ESP), and 1000 Genomes Project. In the ESP, this variant was not observed in 6418 samples with coverage at this position. This nucleotide position is not well conserved in available vertebrate species. Using the BDGP and ESEfinder splice site prediction tools, this alteration is not predicted to have any significant effect on this splice donor site; however, direct evidence is unavailable. Since supporting evidence is limited at this time, the clinical significance of this alteration remains unclear.

Breakthrough Genomics
Classification: Uncertain significance. Review status: criteria provided, single submitter. Criteria: ACMG Guidelines, 2015. Collection method: not provided. Allele origin: germline. Inheritance: X-linked inheritance. Affected: yes.